The following is an entry in ClinVar:

NM_001384732.1(CPLANE1):c.677+241A>T

Gene: CPLANE1 (ciliogenesis and planar polarity effector complex subunit 1; minus strand). Cytogenetic location: 5p13.2.
Variant type: single nucleotide variant.
Coding change: c.677+241A>T on transcript NM_001384732.1 (MANE Select); 241 bases into the intron after coding-DNA position 677, A replaced by T.
Molecular consequence: intron variant.
Genome position (GRCh38, 1-based): chr5:37,242,772, T>A on the plus strand (A>T on the coding strand, the complement: CPLANE1 is on the minus strand). VCF-style: chr5-37242772-T-A. GRCh37 (hg19) VCF-style: chr5-37242874-T-A.
Other names: c.677+241A>T (NM_023073.4).
Identifiers: ClinVar variation 680148 (VCV000680148.1), dbSNP rs6859227, ClinGen allele CA12024619.

ClinVar aggregate classification (germline): Benign (1 of 4 stars; one submission).

Allele frequency attached by ClinVar (database versions not stated): gnomAD 0.20614 and 0.21226; 1000 Genomes Project 0.21406; TOPMed 0.21764; 1000 Genomes Project 30x 0.21768.
gnomAD v4.1: 31,120 of 151,782 alleles (21%); highest among the groups gnomAD compares: African/African-American, 42%; 4,590 homozygotes.

Submission:

GeneDx
Classification: Benign. Last evaluated: 2018-06-19. Review status: criteria provided, single submitter. Criteria: GeneDx Variant Classification (06012015). Collection method: clinical testing. Allele origin: germline. Affected: yes.
Comment: This variant is considered likely benign or benign based on one or more of the following criteria: it is a conservative change, it occurs at a poorly conserved position in the protein, it is predicted to be benign by multiple in silico algorithms, and/or has population frequency not consistent with disease.